The following is an entry in ClinVar:

NM_000213.5(ITGB4):c.3317-3dup

Gene: ITGB4 (integrin subunit beta 4; plus strand). Cytogenetic location: 17q25.1.
Variant type: Duplication.
Coding change: c.3317-3dup on transcript NM_000213.5 (MANE Select); 3 bases into the intron before coding-DNA position 3317, one base duplicated (T; older notation c.3317-3dupT).
Molecular consequence: intron variant.
Genome position (GRCh38, 1-based): chr17:75,750,108, T duplicated; the last of 2 consecutive T bases (chr17:75,750,107-75,750,108); duplicating either gives the same sequence. VCF-style (leftmost placement, unchanged base first): chr17-75750106-G-GT. GRCh37 (hg19) VCF-style: chr17-73746187-G-GT.
Other names: c.3317-3dupT (NM_001005731.3); c.3317-3dup (NM_001005619.2, NM_001005731.3, NM_001438834.1 and 1 more transcripts).
Identifiers: ClinVar variation 4535739 (VCV004535739.1).

ClinVar aggregate classification (germline): Uncertain significance (1 of 4 stars; one submission).

Submission:

Women's Health and Genetics/Laboratory Corporation of America, LabCorp
Classification: Uncertain significance. Last evaluated: 2025-09-05. Review status: criteria provided, single submitter. Criteria: LabCorp Variant Classification Summary - May 2015. Collection method: clinical testing. Allele origin: germline.
Comment: Variant summary: ITGB4 c.3317-3dupT alters a conserved nucleotide located close to a canonical splice site and therefore could affect mRNA splicing, leading to a significantly altered protein sequence. Consensus agreement among computation tools predict no significant impact on normal splicing. However, these predictions have yet to be confirmed by functional studies. The variant was absent in 250530 control chromosomes (gnomAD). The available data on variant occurrences in the general population are insufficient to allow any conclusion about variant significance. To our knowledge, no occurrence of c.3317-3dupT in individuals affected with ITGB4-related conditions and no experimental evidence demonstrating its impact on protein function have been reported. No submitters have cited clinical-significance assessments for this variant to ClinVar. Based on the evidence outlined above, the variant was classified as uncertain significance.